The following is an entry in ClinVar:

ClinVar aggregate classification (germline): Uncertain significance (1 of 4 stars; one submission).

Allele frequency attached by ClinVar (database versions not stated): TOPMed 0.00004; gnomAD 0.00005.
gnomAD v4.1: 8 of 1,613,940 alleles (0.0005%); highest among the groups gnomAD compares: Admixed American, 0.013%; no homozygotes.

Submission:

Labcorp Genetics (formerly Invitae), Labcorp
Classification: Uncertain significance. Last evaluated: 2024-06-17. Review status: criteria provided, single submitter. Criteria: Invitae Variant Classification Sherloc (09022015). Collection method: clinical testing. Allele origin: germline.
Comment: This sequence change replaces proline, which is neutral and non-polar, with alanine, which is neutral and non-polar, at codon 256 of the ATP2B2 protein (p.Pro256Ala). This variant is not present in population databases (gnomAD no frequency). This variant has not been reported in the literature in individuals affected with ATP2B2-related conditions. ClinVar contains an entry for this variant (Variation ID: 2001200). Advanced modeling of protein sequence and biophysical properties (such as structural, functional, and spatial information, amino acid conservation, physicochemical variation, residue mobility, and thermodynamic stability) performed at Invitae indicates that this missense variant is not expected to disrupt ATP2B2 protein function with a negative predictive value of 80%. In summary, the available evidence is currently insufficient to determine the role of this variant in disease. Therefore, it has been classified as a Variant of Uncertain Significance.

NM_001001331.4(ATP2B2):c.766C>G (p.Pro256Ala)

Gene: ATP2B2 (ATPase plasma membrane Ca2+ transporting 2; minus strand). Cytogenetic location: 3p25.3.
Variant type: single nucleotide variant.
Coding change: c.766C>G on transcript NM_001001331.4 (MANE Select); coding-DNA position 766, C replaced by G.
Protein change: p.Pro256Ala; replaces proline 256 with alanine.
Molecular consequence: missense variant.
Genome position (GRCh38, 1-based): chr3:10,400,968, G>C on the plus strand (C>G on the coding strand, the complement: ATP2B2 is on the minus strand). VCF-style: chr3-10400968-G-C. GRCh37 (hg19) VCF-style: chr3-10442652-G-C.
Other names: c.766C>G, p.Pro256Ala (NM_001330611.3, NM_001353564.1, NM_001363862.1 and 1 more transcripts); short protein forms P256A.
Identifiers: ClinVar variation 2001200 (VCV002001200.4), dbSNP rs1241347106, ClinGen allele CA351774750.
Genomic context (GRCh38, chr3:10,400,968, plus strand): 5'-TGTGCATGGCGACGGGAATGGGCCCAACATCAGGCTGAAGCTCACCTGACAGCAGCATGG[G>C]GTCCTTGTCCACGGACTTGCGCACCTGGTCAGACTCTCCAGTTAGGGAGCTTTCATCAAT-3'
Protein context (NP_001001331.1, residues 246-266): DQVRKSVDKD[Pro256Ala]MLLSGTHVME